The following is an entry in ClinVar:

NM_007347.5(AP4E1):c.150+156A>G

Gene: AP4E1 (adaptor related protein complex 4 subunit epsilon 1; plus strand). Cytogenetic location: 15q21.2.
Variant type: single nucleotide variant.
Coding change: c.150+156A>G on transcript NM_007347.5 (MANE Select); 156 bases into the intron after coding-DNA position 150, A replaced by G.
Molecular consequence: intron variant.
Genome position (GRCh38, 1-based): chr15:50,909,084, A>G. VCF-style: chr15-50909084-A-G. GRCh37 (hg19) VCF-style: chr15-51201281-A-G.
Other names: c.-99+156A>G (NM_001252127.2).
Identifiers: ClinVar variation 678149 (VCV000678149.2), dbSNP rs72742383, ClinGen allele CA270497384.

ClinVar aggregate classification (germline): Benign. Review status: criteria provided, multiple submitters, no conflicts (2 of 4 stars). 2 submissions from 2 submitters: Benign (2). Last evaluated 2018-06-14.

Allele frequency attached by ClinVar (database versions not stated): 1000 Genomes Project 30x 0.11056; 1000 Genomes Project 0.11102; gnomAD 0.12713 and 0.12944; TOPMed 0.13695.
gnomAD v4.1: 19,819 of 152,240 alleles (13%); highest among the groups gnomAD compares: Admixed American, 26%; 1,806 homozygotes.

Submissions (2):

GeneDx
Classification: Benign. Last evaluated: 2018-06-14. Review status: criteria provided, single submitter. Criteria: GeneDx Variant Classification (06012015). Collection method: clinical testing. Allele origin: germline. Affected: yes.
Comment: This variant is considered likely benign or benign based on one or more of the following criteria: it is a conservative change, it occurs at a poorly conserved position in the protein, it is predicted to be benign by multiple in silico algorithms, and/or has population frequency not consistent with disease.

Breakthrough Genomics
Classification: Benign. Review status: criteria provided, single submitter. Criteria: ACMG Guidelines, 2015. Collection method: not provided. Allele origin: germline. Inheritance: Autosomal recessive inheritance. Affected: yes.